The following is an entry in ClinVar:

NM_000141.5(FGFR2):c.1748G>C (p.Gly583Ala)

Gene: FGFR2 (fibroblast growth factor receptor 2; minus strand). Cytogenetic location: 10q26.13.
Variant type: single nucleotide variant.
Coding change: c.1748G>C on transcript NM_000141.5 (MANE Select); coding-DNA position 1748, G replaced by C.
Protein change: p.Gly583Ala; replaces glycine 583 with alanine.
Molecular consequence: missense variant. On other transcripts: non-coding transcript variant (1).
Genome position (GRCh38, 1-based): chr10:121,496,647, C>G on the plus strand (G>C on the coding strand, the complement: FGFR2 is on the minus strand). VCF-style: chr10-121496647-C-G. GRCh37 (hg19) VCF-style: chr10-123256161-C-G.
Other names: c.1751G>C, p.Gly584Ala (NM_001144913.1, NM_022970.4); c.1412G>C, p.Gly471Ala (NM_001144914.1); c.1481G>C, p.Gly494Ala (NM_001144915.2, NM_023029.3); c.1403G>C, p.Gly468Ala (NM_001144916.2); c.1400G>C, p.Gly467Ala (NM_001144917.2); c.1397G>C, p.Gly466Ala (NM_001144918.2); c.1484G>C, p.Gly495Ala (NM_001144919.2); c.1064G>C, p.Gly355Ala (NM_001320654.2); and 1 more; short protein forms G468A, G471A, G467A, G581A, G583A, G584A, G494A, G355A.
Identifiers: ClinVar variation 2196500 (VCV002196500.5), dbSNP rs1287829901, ClinGen allele CA378320254.

ClinVar aggregate classification (germline): Uncertain significance. Review status: criteria provided, multiple submitters, no conflicts (2 of 4 stars). 2 submissions from 2 submitters: Uncertain significance (2). Last evaluated 2025-10-01.

Conditions:
FGFR2-related craniosynostosis. Identifiers: MedGen CN231480.
Inborn genetic diseases. Identifiers: MedGen C0950123, MeSH D030342.

Allele frequency attached by ClinVar (database versions not stated): gnomAD exomes below 0.00001; gnomAD 0.00001; TOPMed 0.00001.
gnomAD v4.1: 3 of 1,612,462 alleles (0.00019%); highest among the groups gnomAD compares: Non-Finnish European, 0.00025%; no homozygotes.

Submissions (2):

Labcorp Genetics (formerly Invitae), Labcorp
Classification: Uncertain significance for FGFR2-related craniosynostosis. Last evaluated: 2025-10-01. Review status: criteria provided, single submitter. Criteria: Invitae Variant Classification Sherloc (09022015). Collection method: clinical testing. Allele origin: germline.
Comment: This sequence change replaces glycine, which is neutral and non-polar, with alanine, which is neutral and non-polar, at codon 583 of the FGFR2 protein (p.Gly583Ala). This variant is present in population databases (no rsID available, gnomAD 0.0009%). This variant has not been reported in the literature in individuals affected with FGFR2-related conditions. ClinVar contains an entry for this variant (Variation ID: 2196500). Invitae Evidence Modeling of protein sequence and biophysical properties (such as structural, functional, and spatial information, amino acid conservation, physicochemical variation, residue mobility, and thermodynamic stability) indicates that this missense variant is not expected to disrupt FGFR2 protein function with a negative predictive value of 80%. In summary, the available evidence is currently insufficient to determine the role of this variant in disease. Therefore, it has been classified as a Variant of Uncertain Significance.

Ambry Genetics
Classification: Uncertain significance for Inborn genetic diseases. Last evaluated: 2024-12-09. Review status: criteria provided, single submitter. Criteria: Ambry Variant Classification Scheme 2023. Collection method: clinical testing. Allele origin: germline.